The following is an entry in ClinVar:

NM_152564.5(VPS13B):c.1275T>A (p.Cys425Ter)

Gene: VPS13B (vacuolar protein sorting 13 homolog B; plus strand). Cytogenetic location: 8q22.2.
Variant type: single nucleotide variant.
Coding change: c.1275T>A on transcript NM_152564.5 (MANE Select); coding-DNA position 1275, T replaced by A.
Protein change: p.Cys425Ter; replaces cysteine 425 with a stop codon.
Molecular consequence: nonsense.
Genome position (GRCh38, 1-based): chr8:99,134,700, T>A. VCF-style: chr8-99134700-T-A. GRCh37 (hg19) VCF-style: chr8-100146928-T-A.
Other names: c.1275T>A, p.Cys425Ter (NM_015243.3, NM_017890.5); short protein forms C425*.
Identifiers: ClinVar variation 1724449 (VCV001724449.2), dbSNP rs2488758171, ClinGen allele CA371862019.

ClinVar aggregate classification (germline): Likely pathogenic (1 of 4 stars; one submission).

Conditions:
Cohen syndrome (COH1). Also called: PEPPER SYNDROME; Cutis verticis gyrata, retinitis pigmentosa, and sensorineural deafness. Identifiers: Orphanet 193, MedGen C0265223, MONDO:0008999, OMIM 216550.

Submission:

Myriad Genetics, Inc.
Classification: Likely pathogenic for Cohen syndrome. Last evaluated: 2021-12-04. Review status: criteria provided, single submitter. Criteria: Myriad Women's Health Autosomal Recessive and X-Linked Classification Criteria (2021). Collection method: clinical testing. Allele origin: unknown.
Comment: NM_017890.4(VPS13B):c.1275T>A(C425*) is expected to be pathogenic in the context of Cohen syndrome. This variant is predicted to lead to an abnormal or absent protein product due to the creation of a premature termination codon in VPS13B, a gene where loss-of-function variants are known to be pathogenic. Please note: this variant was assessed in the context of healthy population screening.